The following is an entry in ClinVar:

ClinVar aggregate classification (germline): Uncertain significance. Review status: criteria provided, multiple submitters, no conflicts (2 of 4 stars). 2 submissions from 2 submitters: Uncertain significance (2). Last evaluated 2025-01-22.

Conditions:
Chromosome 2q32-q33 deletion syndrome (GLASS). Also called: Glass syndrome; 2q33.1 deletion syndrome. Identifiers: Orphanet 251019, MedGen C2676739, MONDO:0012864, OMIM 612313.
Inborn genetic diseases. Identifiers: MedGen C0950123, MeSH D030342.

Allele frequency attached by ClinVar (database versions not stated): gnomAD 0.00001; gnomAD exomes 0.00001; TOPMed 0.00001; ESP Exome Variant Server 0.00008.
gnomAD v4.1: 5 of 1,614,068 alleles (0.00031%); highest among the groups gnomAD compares: African/African-American, 0.0013%; no homozygotes.

Submissions (2):

Ambry Genetics
Classification: Uncertain significance for Inborn genetic diseases. Last evaluated: 2025-01-22. Review status: criteria provided, single submitter. Criteria: Ambry Variant Classification Scheme 2023. Collection method: clinical testing. Allele origin: germline.

Labcorp Genetics (formerly Invitae), Labcorp
Classification: Uncertain significance for Chromosome 2q32-q33 deletion syndrome. Last evaluated: 2023-10-28. Review status: criteria provided, single submitter. Criteria: Invitae Variant Classification Sherloc (09022015). Collection method: clinical testing. Allele origin: germline.
Comment: This sequence change replaces leucine, which is neutral and non-polar, with methionine, which is neutral and non-polar, at codon 676 of the SATB2 protein (p.Leu676Met). This variant is not present in population databases (gnomAD no frequency). This variant has not been reported in the literature in individuals affected with SATB2-related conditions. Advanced modeling of protein sequence and biophysical properties (such as structural, functional, and spatial information, amino acid conservation, physicochemical variation, residue mobility, and thermodynamic stability) performed at Invitae indicates that this missense variant is not expected to disrupt SATB2 protein function with a negative predictive value of 80%. In summary, the available evidence is currently insufficient to determine the role of this variant in disease. Therefore, it has been classified as a Variant of Uncertain Significance.

NM_001172509.2(SATB2):c.2026C>A (p.Leu676Met)

Genes: SATB2 (SATB homeobox 2; minus strand), LOC126806462 (MED14-independent group 3 enhancer GRCh37_chr2:200136608-200137807; plus strand). Cytogenetic location: 2q33.1.
Variant type: single nucleotide variant.
Coding change: c.2026C>A on transcript NM_001172509.2 (MANE Select); coding-DNA position 2026, C replaced by A.
Protein change: p.Leu676Met; replaces leucine 676 with methionine.
Molecular consequence: missense variant.
Genome position (GRCh38, 1-based): chr2:199,272,387, G>T on the plus strand (C>A on the coding strand, the complement: SATB2 is on the minus strand). VCF-style: chr2-199272387-G-T. GRCh37 (hg19) VCF-style: chr2-200137110-G-T.
Other names: c.2026C>A, p.Leu676Met (NM_001172517.1, NM_015265.4); c.2026C>A (NM_015265.3); short protein forms L676M.
Identifiers: ClinVar variation 2917860 (VCV002917860.4), dbSNP rs138968934, ClinGen allele CA64243731.